The following is an entry in ClinVar:

NM_000135.4(FANCA):c.4075G>C (p.Asp1359His)

Genes: FANCA (FA complementation group A; minus strand), ZNF276 (zinc finger protein 276; plus strand). Cytogenetic location: 16q24.3.
Variant type: single nucleotide variant.
Coding change: c.4075G>C on transcript NM_000135.4 (MANE Select); coding-DNA position 4075, G replaced by C.
Protein change: p.Asp1359His; replaces aspartic acid 1359 with histidine.
Molecular consequence: missense variant. On other transcripts: 3 prime UTR variant (2), non-coding transcript variant (4).
Genome position (GRCh38, 1-based): chr16:89,739,225, C>G on the plus strand (G>C on the coding strand, the complement: FANCA is on the minus strand). VCF-style: chr16-89739225-C-G. GRCh37 (hg19) VCF-style: chr16-89805633-C-G.
Other names: c.4075G>C, p.Asp1359His (NM_001286167.3); c.*979C>G (NM_001113525.2, NM_152287.4); short protein forms D1359H.
Identifiers: ClinVar variation 1005782 (VCV001005782.6), dbSNP rs1555533313, ClinGen allele CA397484515.

ClinVar aggregate classification (germline): Uncertain significance (1 of 4 stars; one submission).

Conditions:
Fanconi anemia (FA). Also called: Fanconi's anemia. Identifiers: Orphanet 84, MedGen C0015625, MeSH D005199, MONDO:0019391.

Submission:

Labcorp Genetics (formerly Invitae), Labcorp
Classification: Uncertain significance for Fanconi anemia. Last evaluated: 2021-09-01. Review status: criteria provided, single submitter. Criteria: Invitae Variant Classification Sherloc (09022015). Collection method: clinical testing. Allele origin: germline.
Comment: This sequence change replaces aspartic acid with histidine at codon 1359 of the FANCA protein (p.Asp1359His). The aspartic acid residue is moderately conserved and there is a moderate physicochemical difference between aspartic acid and histidine. This variant is not present in population databases (ExAC no frequency). This variant has not been reported in the literature in individuals affected with FANCA-related conditions. Algorithms developed to predict the effect of missense changes on protein structure and function are either unavailable or do not agree on the potential impact of this missense change (SIFT: "Tolerated"; PolyPhen-2: "Possibly Damaging"; Align-GVGD: "Class C0"). In summary, the available evidence is currently insufficient to determine the role of this variant in disease. Therefore, it has been classified as a Variant of Uncertain Significance.